The following is an entry in ClinVar:

NM_014629.4(ARHGEF10):c.3397+8G>T

Gene: ARHGEF10 (Rho guanine nucleotide exchange factor 10; plus strand). Cytogenetic location: 8p23.3.
Variant type: single nucleotide variant.
Coding change: c.3397+8G>T on transcript NM_014629.4 (MANE Select); 8 bases into the intron after coding-DNA position 3397, G replaced by T.
Molecular consequence: intron variant.
Genome position (GRCh38, 1-based): chr8:1,945,663, G>T. VCF-style: chr8-1945663-G-T. GRCh37 (hg19) VCF-style: chr8-1893829-G-T.
Other names: c.3280+8G>T (NM_001438092.1, NM_001438093.1); c.3400+8G>T (NM_001438091.1); c.3283+8G>T (NM_001308152.2, NM_001438094.1); c.3397+8G>T (NM_001308153.3).
Identifiers: ClinVar variation 1629499 (VCV001629499.19), dbSNP rs202020429, ClinGen allele CA4601323.

ClinVar aggregate classification (germline): Benign/Likely benign. Review status: criteria provided, multiple submitters, no conflicts (2 of 4 stars). 4 submissions from 4 submitters: Benign (1); Likely benign (2). 1 of the submissions does not count toward it. Last evaluated 2025-12-11.

Conditions:
ARHGEF10-related disorder. Also called: ARHGEF10-related condition.

Allele frequency attached by ClinVar (database versions not stated): TOPMed 0.00056; gnomAD 0.00068 and 0.00072; ExAC 0.00073; ESP Exome Variant Server 0.00115.
gnomAD v4.1: 981 of 1,614,074 alleles (0.061%); highest among the groups gnomAD compares: Non-Finnish European, 0.054%; 2 homozygotes.

Submissions (7):

Labcorp Genetics (formerly Invitae), Labcorp
Classification: Benign. Last evaluated: 2025-12-11. Review status: criteria provided, single submitter. Criteria: Invitae Variant Classification Sherloc (09022015). Collection method: clinical testing. Allele origin: germline.

CeGaT Center for Human Genetics Tuebingen
Classification: Likely benign. Last evaluated: 2025-04-01. Review status: criteria provided, single submitter. Criteria: CeGaT Center For Human Genetics Tuebingen Variant Classification Criteria Version 2. Collection method: clinical testing. Allele origin: germline. Affected: yes. Observed: 1 variant allele.
Comment: ARHGEF10: BP4

Blueprint Genetics
Classification: Likely benign. Last evaluated: 2024-11-21. Review status: criteria provided, single submitter. Criteria: ACMG Guidelines, 2015. Collection method: clinical testing. Allele origin: germline.

PreventionGenetics, part of Exact Sciences
Classification: Likely benign for ARHGEF10-related condition. Last evaluated: 2020-05-15. Review status: no assertion criteria provided. Collection method: clinical testing. Allele origin: germline. Not counted in ClinVar's aggregate classification.
Comment: This variant is classified as likely benign based on ACMG/AMP sequence variant interpretation guidelines (Richards et al. 2015 PMID: 25741868, with internal and published modifications).

Dr. Peter K. Rogan Lab, Western University
No classification provided (evidence only). Condition: Thymoma. Review status: no classification provided. Collection method: in vitro. Allele origin: not applicable. Functional consequence: retained intron. Not counted in ClinVar's aggregate classification.

Dr. Peter K. Rogan Lab, Western University
No classification provided (evidence only). Condition: Gastric cancer. Review status: no classification provided. Collection method: in vitro. Allele origin: not applicable. Functional consequence: retained intron. Not counted in ClinVar's aggregate classification.

Dr. Peter K. Rogan Lab, Western University
No classification provided (evidence only). Condition: Uveal melanoma. Review status: no classification provided. Collection method: in vitro. Allele origin: not applicable. Functional consequence: retained intron. Not counted in ClinVar's aggregate classification.